The following is an entry in ClinVar:

NM_014822.4(SEC24D):c.1937C>T (p.Ser646Leu)

Gene: SEC24D (SEC24 homolog D, COPII component; minus strand). Cytogenetic location: 4q26.
Variant type: single nucleotide variant.
Coding change: c.1937C>T on transcript NM_014822.4 (MANE Select); coding-DNA position 1937, C replaced by T.
Protein change: p.Ser646Leu; replaces serine 646 with leucine.
Molecular consequence: missense variant.
Genome position (GRCh38, 1-based): chr4:118,744,046, G>A on the plus strand (C>T on the coding strand, the complement: SEC24D is on the minus strand). VCF-style: chr4-118744046-G-A. GRCh37 (hg19) VCF-style: chr4-119665201-G-A.
Other names: c.1940C>T, p.Ser647Leu (NM_001318066.2); short protein forms S646L, S647L.
Identifiers: ClinVar variation 1722428 (VCV001722428.6), dbSNP rs374055733, ClinGen allele CA3057110.

ClinVar aggregate classification (germline): Uncertain significance. Review status: criteria provided, multiple submitters, no conflicts (2 of 4 stars). 3 submissions from 3 submitters: Uncertain significance (3). Last evaluated 2024-11-26.

Allele frequency attached by ClinVar (database versions not stated): TOPMed 0.00004; gnomAD 0.00005; gnomAD exomes 0.00005; ESP Exome Variant Server 0.00015; ExAC 0.00017.
gnomAD v4.1: 93 of 1,613,348 alleles (0.0058%); highest among the groups gnomAD compares: Middle Eastern, 0.016%; no homozygotes.

Submissions (3):

Blueprint Genetics
Classification: Uncertain significance. Last evaluated: 2024-11-26. Review status: criteria provided, single submitter. Criteria: ACMG Guidelines, 2015. Collection method: clinical testing. Allele origin: germline.

Labcorp Genetics (formerly Invitae), Labcorp
Classification: Uncertain significance. Last evaluated: 2024-10-28. Review status: criteria provided, single submitter. Criteria: Invitae Variant Classification Sherloc (09022015). Collection method: clinical testing. Allele origin: germline.
Comment: This sequence change replaces serine, which is neutral and polar, with leucine, which is neutral and non-polar, at codon 646 of the SEC24D protein (p.Ser646Leu). This variant is present in population databases (rs374055733, gnomAD 0.04%). This variant has not been reported in the literature in individuals affected with SEC24D-related conditions. ClinVar contains an entry for this variant (Variation ID: 1722428). An algorithm developed to predict the effect of missense changes on protein structure and function (PolyPhen-2) suggests that this variant is likely to be disruptive. In summary, the available evidence is currently insufficient to determine the role of this variant in disease. Therefore, it has been classified as a Variant of Uncertain Significance.

Women's Health and Genetics/Laboratory Corporation of America, LabCorp
Classification: Uncertain significance. Last evaluated: 2022-09-08. Review status: criteria provided, single submitter. Criteria: LabCorp Variant Classification Summary - May 2015. Collection method: clinical testing. Allele origin: germline.
Comment: Variant summary: SEC24D c.1937C>T (p.Ser646Leu) results in a non-conservative amino acid change located in the Sec23/Sec24, trunk domain (IPR006896) of the encoded protein sequence. Four of four in-silico tools predict a damaging effect of the variant on protein function. The variant allele was found at a frequency of 0.00011 in 250702 control chromosomes (gnomAD). To our knowledge, no occurrence of c.1937C>T in individuals affected with Cole-Carpenter Syndrome 2 and no experimental evidence demonstrating its impact on protein function have been reported. No clinical diagnostic laboratories have submitted clinical-significance assessments for this variant to ClinVar after 2014. Based on the evidence outlined above, the variant was classified as uncertain significance.